The following is an entry in ClinVar:

ClinVar aggregate classification (germline): Likely pathogenic (1 of 4 stars; one submission).

Submission:

GeneDx
Classification: Likely pathogenic. Last evaluated: 2018-03-27. Review status: criteria provided, single submitter. Criteria: GeneDx Variant Classification (06012015). Collection method: clinical testing. Allele origin: germline. Affected: yes.
Comment: The K238X variant in the SACS gene has not been reported previously as a pathogenic variant nor as a benign variant, to our knowledge. This variant is predicted to cause loss of normal protein function either through protein truncation or nonsense-mediated mRNA decay. The K238X variant is not observed in large population cohorts (Lek et al., 2016). We interpret K238X as a likely pathogenic variant.

NM_014363.6(SACS):c.712A>T (p.Lys238Ter)

Gene: SACS (sacsin molecular chaperone; minus strand). Cytogenetic location: 13q12.12.
Variant type: single nucleotide variant.
Coding change: c.712A>T on transcript NM_014363.6 (MANE Select); coding-DNA position 712, A replaced by T.
Protein change: p.Lys238Ter; replaces lysine 238 with a stop codon.
Molecular consequence: nonsense.
Genome position (GRCh38, 1-based): chr13:23,355,900, T>A on the plus strand (A>T on the coding strand, the complement: SACS is on the minus strand). VCF-style: chr13-23355900-T-A. GRCh37 (hg19) VCF-style: chr13-23930039-T-A.
Other names: c.271A>T, p.Lys91Ter (NM_001278055.2); short protein forms K238*, K91*.
Identifiers: ClinVar variation 523828 (VCV000523828.2), dbSNP rs764585158, ClinGen allele CA387551304.